The following is an entry in ClinVar:

NM_000156.6(GAMT):c.225G>A (p.Ala75=)

Gene: GAMT (guanidinoacetate N-methyltransferase; minus strand). Cytogenetic location: 19p13.3.
Variant type: single nucleotide variant.
Coding change: c.225G>A on transcript NM_000156.6 (MANE Select); coding-DNA position 225, G replaced by A.
Protein change: p.Ala75=; no amino-acid change (alanine 75 retained).
Molecular consequence: synonymous variant.
Genome position (GRCh38, 1-based): chr19:1,399,895, C>T on the plus strand (G>A on the coding strand, the complement: GAMT is on the minus strand). VCF-style: chr19-1399895-C-T. GRCh37 (hg19) VCF-style: chr19-1399894-C-T.
Other names: p.A75A:GCG>GCA; NM_000156.6(GAMT):c.225G>A; p.Ala75=; c.225G>A, p.Ala75= (NM_138924.3).
Identifiers: ClinVar variation 137433 (VCV000137433.18), dbSNP rs202151546, ClinGen allele CA291013.

ClinVar aggregate classification (germline): Likely benign. Review status: reviewed by expert panel (3 of 4 stars). 6 submissions from 6 submitters: Likely benign (1). 5 of the submissions do not count toward it. Last evaluated 2023-03-09.

Conditions:
Inborn genetic diseases. Identifiers: MedGen C0950123, MeSH D030342.
Cerebral creatine deficiency syndrome. Also called: Creatine deficiency syndromes. Identifiers: Orphanet 79172, MedGen C5244016, MONDO:0000456.
Deficiency of guanidinoacetate methyltransferase (CCDS2). Also called: CEREBRAL CREATINE DEFICIENCY SYNDROME 2; Guanidinoacetate Methyltransferase (GAMT) Deficiency; GAMT DEFICIENCY. Identifiers: Orphanet 382, MedGen C0574080, MONDO:0012999, OMIM 612736.

Allele frequency attached by ClinVar (database versions not stated): gnomAD 0.00002 and 0.00003; TOPMed 0.00005; 1000 Genomes Project 30x 0.00016; 1000 Genomes Project 0.00020; ExAC 0.00021.
gnomAD v4.1: 194 of 1,608,586 alleles (0.012%); highest among the groups gnomAD compares: East Asian, 0.32%; no homozygotes.

Submissions (6):

ClinGen Cerebral Creatine Deficiency Syndromes Variant Curation Expert Panel, ClinGen
Classification: Likely benign for Deficiency of guanidinoacetate methyltransferase. Last evaluated: 2023-03-09. Review status: reviewed by expert panel. Criteria: ClinGen_CCDS_ACMG_Specifications_GAMT_v1.1. Collection method: curation. Allele origin: germline. Inheritance: Autosomal recessive inheritance.
Comment: The NM_000156.6(GAMT):c.225G>A (p.Ala75=) variant is a synonymous variant for which splicing prediction algorithms (SpliceAI, varSEAK) predict no impact to the splice consensus sequence nor the creation of a new splice site (BP4); however, the residue altered (Ala75) is conserved through zebrafish. Thus, BP7 is not met. The highest population minor allele frequency in gnomAD v2.1.1 is 0.00117 (21/17954 alleles) in the East Asian population, which is higher than the ClinGen CCDS VCEP’s threshold for BS1 (>0.001), and therefore meets this criterion (BS1). There is a ClinVar entry for this variant (Variation ID: 137433). In summary, this variant meets the crietria to be classified as likely benign for GAMT deficiency. GAMT-specific criteria applied, as specified by the ClinGen Cerebral Creatine Deficiency Syndromes Variant Curation Expert Panel (CCDS VCEP): BS1, BP4. (Classification approved by the ClinGen CCDS VCEP on March 9, 2023).

Labcorp Genetics (formerly Invitae), Labcorp
Classification: Likely benign for Cerebral creatine deficiency syndrome. Last evaluated: 2026-01-14. Review status: criteria provided, single submitter. Criteria: Invitae Variant Classification Sherloc (09022015). Collection method: clinical testing. Allele origin: germline. Not counted in ClinVar's aggregate classification.

ARUP Laboratories, Molecular Genetics and Genomics, ARUP Laboratories
Classification: Likely benign for Deficiency of guanidinoacetate methyltransferase. Last evaluated: 2025-07-15. Review status: criteria provided, single submitter. Criteria: ARUP Molecular Germline Variant Investigation Process 2024. Collection method: clinical testing. Allele origin: germline. Not counted in ClinVar's aggregate classification.

Ambry Genetics
Classification: Likely benign for Inborn genetic diseases. Last evaluated: 2019-03-18. Review status: criteria provided, single submitter. Criteria: Ambry Variant Classification Scheme 2023. Collection method: clinical testing. Allele origin: germline. Not counted in ClinVar's aggregate classification.

Illumina Laboratory Services, Illumina
Classification: Uncertain significance for Deficiency of guanidinoacetate methyltransferase. Last evaluated: 2017-04-27. Review status: criteria provided, single submitter. Criteria: ICSL Variant Classification Criteria 13 December 2019. Collection method: clinical testing. Allele origin: germline. Not counted in ClinVar's aggregate classification.

GeneDx
Classification: Benign. Last evaluated: 2014-05-06. Review status: criteria provided, single submitter. Criteria: GeneDx Variant Classification (06012015). Collection method: clinical testing. Allele origin: germline. Affected: yes. Not counted in ClinVar's aggregate classification.
Comment: This variant is considered likely benign or benign based on one or more of the following criteria: it is a conservative change, it occurs at a poorly conserved position in the protein, it is predicted to be benign by multiple in silico algorithms, and/or has population frequency not consistent with disease.